The following is an entry in ClinVar:

ClinVar aggregate classification (germline): Likely pathogenic. Review status: criteria provided, single submitter (1 of 4 stars). 2 submissions from 2 submitters: Likely pathogenic (1). 1 of the submissions does not count toward it. Last evaluated 2020-12-27.

Conditions:
Bifunctional peroxisomal enzyme deficiency (DBIF). Also called: DBP DEFICIENCY; PBFE DEFICIENCY; D-bifunctional protein deficiency. Identifiers: Orphanet 300, MedGen C0342870, MONDO:0009855, OMIM 261515. Disease mechanism: loss of function.
Perrault syndrome. Also called: Gonadal dysgenesis with auditory dysfunction, autosomal recessive inheritance. Identifiers: Orphanet 2855, MedGen C0685838, MONDO:0017312.

Allele frequency attached by ClinVar (database versions not stated): gnomAD exomes below 0.00001.

Submissions (2):

Labcorp Genetics (formerly Invitae), Labcorp
Classification: Likely pathogenic for Perrault syndrome; Bifunctional peroxisomal enzyme deficiency. Last evaluated: 2020-12-27. Review status: criteria provided, single submitter. Criteria: Invitae Variant Classification Sherloc (09022015). Collection method: clinical testing. Allele origin: germline.
Comment: This variant is not present in population databases (ExAC no frequency). In summary, the currently available evidence indicates that the variant is pathogenic, but additional data are needed to prove that conclusively. Therefore, this variant has been classified as Likely Pathogenic. Algorithms developed to predict the effect of sequence changes on RNA splicing suggest that this variant may disrupt the consensus splice site, but this prediction has not been confirmed by published transcriptional studies. This variant has not been reported in the literature in individuals with HSD17B4-related conditions. ClinVar contains an entry for this variant (Variation ID: 370152). This sequence change affects an acceptor splice site in intron 16 of the HSD17B4 gene. It is expected to disrupt RNA splicing. Variants that disrupt the donor or acceptor splice site typically lead to a loss of protein function (PMID: 16199547), and loss-of-function variants in HSD17B4 are known to be pathogenic (PMID: 11810648, 16385454).

Counsyl
Classification: Likely pathogenic for Bifunctional peroxisomal enzyme deficiency. Last evaluated: 2015-12-01. Review status: no assertion criteria provided. Collection method: clinical testing. Allele origin: unknown. Not counted in ClinVar's aggregate classification.

Literature cited by the submitters: PubMed 16199547 (cited by Labcorp Genetics (formerly Invitae), Labcorp); PubMed 11810648 (cited by Labcorp Genetics (formerly Invitae), Labcorp); PubMed 16385454 (cited by Labcorp Genetics (formerly Invitae), Labcorp).

NM_000414.4(HSD17B4):c.1438-2A>C

Gene: HSD17B4 (hydroxysteroid 17-beta dehydrogenase 4; plus strand). Cytogenetic location: 5q23.1.
Variant type: single nucleotide variant.
Coding change: c.1438-2A>C on transcript NM_000414.4 (MANE Select); the canonical splice acceptor site of the intron before coding-DNA position 1438, A replaced by C.
Molecular consequence: splice acceptor variant.
Genome position (GRCh38, 1-based): chr5:119,514,979, A>C. VCF-style: chr5-119514979-A-C. GRCh37 (hg19) VCF-style: chr5-118850674-A-C.
Other names: c.1027-2A>C (NM_001374503.1, NM_001374502.1, NM_001374501.1); c.1513-2A>C (NM_001199291.3); c.1111-2A>C (NM_001374499.1); c.997-2A>C (NM_001374500.1); c.1018-2A>C (NM_001292028.2); c.1366-2A>C (NM_001292027.2, NM_001374498.1); c.1429-2A>C (NM_001374497.1); c.1384-2A>C (NM_001199292.2).
Identifiers: ClinVar variation 370152 (VCV000370152.11), dbSNP rs1057516273, ClinGen allele CA16040969.
Genomic context (GRCh38, chr5:119,514,979, plus strand): 5'-TTGGTTAAAGAGAATAATGATAATTTGTATTTAAGATTTAACATGTAATGTCTTAATTTT[A>C]GGTAGCTGTAGCCATACCTAATAGACCTCCTGATGCTGTACTTACAGATACCACCTCTCT-3'